The following is an entry in ClinVar:

NM_000631.5(NCF4):c.301A>G (p.Ile101Val)

Genes: NCF4 (neutrophil cytosolic factor 4; plus strand), NCF4-AS1 (NCF4 antisense RNA 1; minus strand). Cytogenetic location: 22q12.3.
Variant type: single nucleotide variant.
Coding change: c.301A>G on transcript NM_000631.5 (MANE Select); coding-DNA position 301, A replaced by G.
Protein change: p.Ile101Val; replaces isoleucine 101 with valine.
Molecular consequence: missense variant.
Genome position (GRCh38, 1-based): chr22:36,867,421, A>G. VCF-style: chr22-36867421-A-G. GRCh37 (hg19) VCF-style: chr22-37263463-A-G.
Other names: c.301A>G, p.Ile101Val (NM_013416.4); short protein forms I101V.
Identifiers: ClinVar variation 2417421 (VCV002417421.8), dbSNP rs775504785, ClinGen allele CA10212931.

ClinVar aggregate classification (germline): Uncertain significance (1 of 4 stars; one submission).

Conditions:
Granulomatous disease, chronic, autosomal recessive, cytochrome b-positive, type 3. Also called: GRANULOMATOUS DISEASE, CHRONIC, AUTOSOMAL RECESSIVE, 3; Granulomatous disease, chronic, autosomal recessive, cytochrome b-positive, type III; GRANULOMATOUS DISEASE, CHRONIC, DUE TO NCF4 DEFICIENCY; CGD, AUTOSOMAL RECESSIVE CYTOCHROME b-POSITIVE, TYPE III. Identifiers: Orphanet 379, MedGen C3151409, MONDO:0013507, OMIM 613960.

Allele frequency attached by ClinVar (database versions not stated): gnomAD exomes below 0.00001; ExAC 0.00001.
gnomAD v4.1: 4 of 1,614,142 alleles (0.00025%); highest among the groups gnomAD compares: Non-Finnish European, 0.00034%; no homozygotes.

Submission:

Labcorp Genetics (formerly Invitae), Labcorp
Classification: Uncertain significance for Granulomatous disease, chronic, autosomal recessive, cytochrome b-positive, type 3. Last evaluated: 2023-05-02. Review status: criteria provided, single submitter. Criteria: Invitae Variant Classification Sherloc (09022015). Collection method: clinical testing. Allele origin: germline.
Comment: This sequence change replaces isoleucine, which is neutral and non-polar, with valine, which is neutral and non-polar, at codon 101 of the NCF4 protein (p.Ile101Val). This variant is not present in population databases (gnomAD no frequency). This variant has not been reported in the literature in individuals affected with NCF4-related conditions. ClinVar contains an entry for this variant (Variation ID: 2417421). An algorithm developed to predict the effect of missense changes on protein structure and function (PolyPhen-2) suggests that this variant is likely to be tolerated. In summary, the available evidence is currently insufficient to determine the role of this variant in disease. Therefore, it has been classified as a Variant of Uncertain Significance.